The following is an entry in ClinVar:

NM_001257291.2(SLC9A7):c.114GGCCTC[3] (p.Ser42_Ser43insAlaSer)

Genes: SLC9A7 (solute carrier family 9 member A7; minus strand), LOC130068197 (ATAC-STARR-seq lymphoblastoid silent region 20793; plus strand). Cytogenetic location: Xp11.3.
Variant type: Microsatellite.
Coding change: c.114GGCCTC[3] on transcript NM_001257291.2 (MANE Select); three copies in a row of the 6-base unit GGCCTC starting at c.114; the reference has two copies in a row; one copy, 6 bases duplicated.
Protein change: p.Ser42_Ser43insAlaSer.
Molecular consequence: inframe insertion.
Genome position (GRCh38, 1-based): chrX:46,758,905-46,758,910, GAGGCC duplicated on the plus strand (GGCCTC on the coding strand, the reverse complement: SLC9A7 is on the minus strand); duplicating any 6 consecutive bases within chrX:46,758,905-46,758,917 gives the same sequence; the position shown is the placement nearest the transcript's 3' end. VCF-style (leftmost placement, unchanged base first): chrX-46758904-G-GGAGGCC. GRCh37 (hg19) VCF-style: chrX-46618339-G-GGAGGCC.
Other names: c.114GGCCTC[3], p.Ser42_Ser43insAlaSer (NM_032591.3).
Identifiers: ClinVar variation 2722481 (VCV002722481.3), dbSNP rs782219025, ClinGen allele CA10394138.
Genomic context (GRCh38, chrX:46,758,904, plus strand): 5'-CTCCTTCTCAGTAGCGAGCTCCTCCATGGCGCTGCTGTCCTCCGCCGCCGCCCCAGAGGA[G>GGAGGCC]GAGGCCGAGGCCGCGGCCGCGACTCGCAGCCCCCAACCCAGCAGCAGCGGCAGCAGCAGC-3'

ClinVar aggregate classification (germline): Uncertain significance (1 of 4 stars; one submission).

Submission:

Labcorp Genetics (formerly Invitae), Labcorp
Classification: Uncertain significance. Last evaluated: 2023-10-05. Review status: criteria provided, single submitter. Criteria: Invitae Variant Classification Sherloc (09022015). Collection method: clinical testing. Allele origin: germline.
Comment: This variant, c.120_125dup, results in the insertion of 2 amino acid(s) of the SLC9A7 protein (p.Ala41_Ser42dup), but otherwise preserves the integrity of the reading frame. This variant is present in population databases (rs782219025, gnomAD 0.02%). This variant has not been reported in the literature in individuals affected with SLC9A7-related conditions. In summary, the available evidence is currently insufficient to determine the role of this variant in disease. Therefore, it has been classified as a Variant of Uncertain Significance.